The following is an entry in ClinVar:

ClinVar aggregate classification (germline): Uncertain significance (1 of 4 stars; one submission).

Conditions:
Hereditary cancer-predisposing syndrome. Also called: Hereditary Cancer Syndrome; Tumor predisposition; Hereditary neoplastic syndrome; Neoplastic Syndromes, Hereditary. Identifiers: Orphanet 140162, MedGen C0027672, MeSH D009386, MONDO:0015356.

Submission:

Ambry Genetics
Classification: Uncertain significance for Hereditary cancer-predisposing syndrome. Last evaluated: 2024-11-25. Review status: criteria provided, single submitter. Criteria: Ambry Variant Classification Scheme 2023. Collection method: clinical testing. Allele origin: germline.
Comment: The c.481-1_481delGA variant results from a deletion of two nucleotides (GA) at positions c.481-1 to 481 and involves the canonical splice acceptor site before coding exon 5 of the NBN gene. Alterations that disrupt the canonical splice site are expected to result in aberrant splicing. In silico splice site analysis predicts that this alteration will weaken the native splice acceptor site and may result in the creation or strengthening of a novel splice acceptor site. The resulting transcript is predicted to be in-frame and is not expected to trigger nonsense-mediated mRNAdecay; although, direct evidence is unavailable. This nucleotide region is highly conserved in available vertebrate species. Based on the available evidence, the clinical significance of this variant remains unclear.

NM_002485.5(NBN):c.481-1_481del

Gene: NBN (nibrin; minus strand). Cytogenetic location: 8q21.3.
Variant type: Deletion.
Coding change: c.481-1_481del on transcript NM_002485.5 (MANE Select); the canonical splice acceptor site of the intron before coding-DNA position 481 through coding-DNA position 481, 2 bases deleted (GA; older notation c.481-1_481delGA).
Molecular consequence: splice acceptor variant.
Genome position (GRCh38, 1-based): chr8:89,978,323-89,978,324, TC deleted on the plus strand (GA on the coding strand, the reverse complement: NBN is on the minus strand); deleting any 2 consecutive bases within chr8:89,978,323-89,978,325 gives the same sequence; the c. name uses the placement nearest the transcript's 3' end. VCF-style (leftmost placement, unchanged base first): chr8-89978322-GTC-G. GRCh37 (hg19) VCF-style: chr8-90990550-GTC-G.
Other names: c.235-1_235del (NM_001024688.3).
Identifiers: ClinVar variation 3403072 (VCV003403072.1).